The following is an entry in ClinVar:

ClinVar aggregate classification (germline): Pathogenic/Likely pathogenic. Review status: criteria provided, multiple submitters, no conflicts (2 of 4 stars). 5 submissions from 5 submitters: Pathogenic (4); Likely pathogenic (1). Last evaluated 2025-07-25.

Conditions:
BLM-related disorder. Also called: BLM-related condition.
Hereditary cancer-predisposing syndrome. Also called: Neoplastic Syndromes, Hereditary; Tumor predisposition; Hereditary Cancer Syndrome; Hereditary neoplastic syndrome. Identifiers: Orphanet 140162, MedGen C0027672, MeSH D009386, MONDO:0015356.
Bloom syndrome (BLM). Also called: Bloom-Torre-Machacek syndrome. Identifiers: Orphanet 125, MedGen C0005859, MONDO:0008876, OMIM 210900.

Allele frequency attached by ClinVar (database versions not stated): gnomAD exomes below 0.00001; ExAC 0.00001.
gnomAD v4.1: 6 of 1,614,118 alleles (0.00037%); highest among the groups gnomAD compares: East Asian, 0.0022%; no homozygotes.

Submissions (5):

Natera, Inc.
Classification: Likely pathogenic for Bloom syndrome. Last evaluated: 2025-07-25. Review status: criteria provided, single submitter. Criteria: Natera Variant Classification Schema (03/2026). Collection method: clinical testing. Allele origin: germline.
Comment: The c.2875C>T variant in BLM is a nonsense variant predicted to introduce a stop codon at amino acid 959. This variant is expected to result in nonsense mediated decay, truncation, or a dysfunctional protein product. This variant is rare in the general population with a frequency below the threshold expected for the associated phenotype(s). Given the available evidence, this variant is classified as Likely Pathogenic.

Labcorp Genetics (formerly Invitae), Labcorp
Classification: Pathogenic for Bloom syndrome. Last evaluated: 2024-09-04. Review status: criteria provided, single submitter. Criteria: Invitae Variant Classification Sherloc (09022015). Collection method: clinical testing. Allele origin: germline.
Comment: This sequence change creates a premature translational stop signal (p.Arg959*) in the BLM gene. It is expected to result in an absent or disrupted protein product. Loss-of-function variants in BLM are known to be pathogenic (PMID: 17407155). This variant is present in population databases (rs762354041, gnomAD 0.006%). This premature translational stop signal has been observed in individual(s) with breast cancer (PMID: 28724667). ClinVar contains an entry for this variant (Variation ID: 405266). RNA analysis performed to evaluate the impact of this premature translational stop signal on mRNA splicing indicates it does not significantly alter splicing (internal data). For these reasons, this variant has been classified as Pathogenic.

Ambry Genetics
Classification: Pathogenic for Hereditary cancer-predisposing syndrome. Last evaluated: 2024-03-26. Review status: criteria provided, single submitter. Criteria: Ambry Variant Classification Scheme 2023. Collection method: clinical testing. Allele origin: germline.
Comment: The p.R959* variant (also known as c.2875C>T), located in coding exon 14 of the BLM gene, results from a C to T substitution at nucleotide position 2875. This changes the amino acid from an arginine to a stop codon within coding exon 14. This alteration was detected in a cohort of 8085 consecutive unselected Chinese breast cancer patients who underwent multi-gene panel testing. (Sun J et al. Clin. Cancer Res., 2017 Oct;23:6113-6119). This variant is considered to be rare based on population cohorts in the Genome Aggregation Database (gnomAD). In addition to the clinical data presented in the literature, this alteration is expected to result in loss of function by premature protein truncation or nonsense-mediated mRNA decay. As such, this alteration is interpreted as a disease-causing mutation.

Blueprint Genetics
Classification: Pathogenic for BLM-related disorders. Last evaluated: 2022-10-26. Review status: criteria provided, single submitter. Criteria: ACMG Guidelines, 2015. Collection method: clinical testing. Allele origin: germline. Affected: yes. Observed: 1 variant allele.

Fulgent Genetics
Classification: Pathogenic for Bloom syndrome. Last evaluated: 2018-10-31. Review status: criteria provided, single submitter. Criteria: ACMG Guidelines, 2015. Collection method: clinical testing. Allele origin: unknown.

Literature cited by the submitters: PubMed 17407155 (cited by Labcorp Genetics (formerly Invitae), Labcorp); PubMed 28724667 (cited by Labcorp Genetics (formerly Invitae), Labcorp and Ambry Genetics).

NM_000057.4(BLM):c.2875C>T (p.Arg959Ter)

Gene: BLM (BLM RecQ like helicase; plus strand). Cytogenetic location: 15q26.1.
Variant type: single nucleotide variant.
Coding change: c.2875C>T on transcript NM_000057.4 (MANE Select); coding-DNA position 2875, C replaced by T.
Protein change: p.Arg959Ter; replaces arginine 959 with a stop codon.
Molecular consequence: nonsense.
Genome position (GRCh38, 1-based): chr15:90,790,700, C>T. VCF-style: chr15-90790700-C-T. GRCh37 (hg19) VCF-style: chr15-91333930-C-T.
Other names: c.2875C>T, p.Arg959Ter (NM_001287246.2, NM_001287247.2); c.1750C>T, p.Arg584Ter (NM_001287248.2); short protein forms R959*, R584*.
Identifiers: ClinVar variation 405266 (VCV000405266.13), dbSNP rs762354041, ClinGen allele CA7738888.